The following is an entry in ClinVar:

NM_005559.4(LAMA1):c.3827C>T (p.Ala1276Val)

Gene: LAMA1 (laminin subunit alpha 1; minus strand). Cytogenetic location: 18p11.31.
Variant type: single nucleotide variant.
Coding change: c.3827C>T on transcript NM_005559.4 (MANE Select); coding-DNA position 3827, C replaced by T.
Protein change: p.Ala1276Val; replaces alanine 1276 with valine.
Molecular consequence: missense variant.
Genome position (GRCh38, 1-based): chr18:7,010,246, G>A on the plus strand (C>T on the coding strand, the complement: LAMA1 is on the minus strand). VCF-style: chr18-7010246-G-A. GRCh37 (hg19) VCF-style: chr18-7010245-G-A.
Other names: short protein forms A1276V.
Identifiers: ClinVar variation 2984828 (VCV002984828.3), dbSNP rs2510069087, ClinGen allele CA401848224.

ClinVar aggregate classification (germline): Uncertain significance (1 of 4 stars; one submission).

Submission:

Labcorp Genetics (formerly Invitae), Labcorp
Classification: Uncertain significance. Last evaluated: 2023-07-25. Review status: criteria provided, single submitter. Criteria: Invitae Variant Classification Sherloc (09022015). Collection method: clinical testing. Allele origin: germline.
Comment: This sequence change replaces alanine, which is neutral and non-polar, with valine, which is neutral and non-polar, at codon 1276 of the LAMA1 protein (p.Ala1276Val). This variant is not present in population databases (gnomAD no frequency). This variant has not been reported in the literature in individuals affected with LAMA1-related conditions. Advanced modeling of protein sequence and biophysical properties (such as structural, functional, and spatial information, amino acid conservation, physicochemical variation, residue mobility, and thermodynamic stability) performed at Invitae indicates that this missense variant is not expected to disrupt LAMA1 protein function. In summary, the available evidence is currently insufficient to determine the role of this variant in disease. Therefore, it has been classified as a Variant of Uncertain Significance.